The following is an entry in ClinVar:

NM_000545.8(HNF1A):c.441C>A (p.His147Gln)

Gene: HNF1A (HNF1 homeobox A; plus strand). Cytogenetic location: 12q24.31.
Variant type: single nucleotide variant.
Coding change: c.441C>A on transcript NM_000545.8 (MANE Select); coding-DNA position 441, C replaced by A.
Protein change: p.His147Gln; replaces histidine 147 with glutamine.
Molecular consequence: missense variant.
Genome position (GRCh38, 1-based): chr12:120,988,947, C>A. VCF-style: chr12-120988947-C-A. GRCh37 (hg19) VCF-style: chr12-121426750-C-A.
Other names: NM_000545.8(HNF1A):c.441C>A; c.441C>A, p.His147Gln (NM_001306179.2); short protein forms H147Q.
Identifiers: ClinVar variation 36821 (VCV000036821.11), dbSNP rs193922597, ClinGen allele CA214304.

ClinVar aggregate classification (germline): Uncertain significance. Review status: reviewed by expert panel (3 of 4 stars). 4 submissions from 4 submitters: Uncertain significance (1). 3 of the submissions do not count toward it. Last evaluated 2025-06-09.

Conditions:
Monogenic diabetes. Identifiers: Orphanet 183625, MedGen C3888631, MONDO:0015967.
Maturity-onset diabetes of the young (MODY). Also called: Maturity onset diabetes mellitus in young. Identifiers: Orphanet 552, MedGen C0342276, MONDO:0018911, HP:0004904.
Maturity-onset diabetes of the young type 3. Also called: MODY type 3; MODY, type III. Identifiers: Orphanet 552, MedGen C1838100, MeSH C563933, MONDO:0010894, OMIM 600496. Disease mechanism: loss of function.

Submissions (4):

ClinGen Monogenic Diabetes Variant Curation Expert Panel
Classification: Uncertain significance for Monogenic diabetes. Last evaluated: 2025-06-09. Review status: reviewed by expert panel. Criteria: ClinGen Diabetes ACMG Specifications HNF1A V2.1.0. Collection method: curation. Allele origin: germline. Inheritance: Autosomal dominant inheritance.
Comment: The c.441C>A variant in the HNF1 homeobox A gene, HNF1A, causes an amino acid change of histidine to glutamine at codon 147 (p.(His147Gln)) of NM_000545.8. This variant resides in an amino acid within the HNF1α DNA binding domain that directly binds DNA, which is defined as critical for the protein’s function by the ClinGen MDEP (PM1). This variant is absent from gnomAD v2.1.1 and v4.1.0 (PM2_Supporting). This variant is predicted to be deleterious by computational evidence, with a REVEL score of 0.938, which is greater than the MDEP threshold of 0.70 (PP3). In summary, c.441C>A meets the criteria to be classified as a variant of uncertain significance for monogenic diabetes. ACMG/AMP criteria applied, as specified by the ClinGen MDEP (specification version 2.1.0, approved 8/11/23): PP3, PM2_Supporting, PM1.

Labcorp Genetics (formerly Invitae), Labcorp
Classification: Uncertain significance. Last evaluated: 2024-01-13. Review status: criteria provided, single submitter. Criteria: Invitae Variant Classification Sherloc (09022015). Collection method: clinical testing. Allele origin: germline. Not counted in ClinVar's aggregate classification.
Comment: This sequence change replaces histidine, which is basic and polar, with glutamine, which is neutral and polar, at codon 147 of the HNF1A protein (p.His147Gln). This variant is not present in population databases (gnomAD no frequency). This variant has not been reported in the literature in individuals affected with HNF1A-related conditions. ClinVar contains an entry for this variant (Variation ID: 36821). Advanced modeling of protein sequence and biophysical properties (such as structural, functional, and spatial information, amino acid conservation, physicochemical variation, residue mobility, and thermodynamic stability) performed at Invitae indicates that this missense variant is not expected to disrupt HNF1A protein function with a negative predictive value of 80%. In summary, the available evidence is currently insufficient to determine the role of this variant in disease. Therefore, it has been classified as a Variant of Uncertain Significance.

Women's Health and Genetics/Laboratory Corporation of America, LabCorp
Classification: Likely pathogenic for MODY3. Last evaluated: 2011-08-18. Review status: criteria provided, single submitter. Criteria: LabCorp Variant Classification Summary - May 2015. Collection method: curation, clinical testing. Allele origin: germline. Inheritance: autosomal unknown. Affected: yes. Not counted in ClinVar's aggregate classification.
ClinVar note: Converted during submission from likely pathogenic to Likely pathogenic.

Clinical Genomics, Uppaluri K&H Personalized Medicine Clinic
Classification: Uncertain risk allele for Maturity-onset diabetes of the young. Review status: criteria provided, single submitter. Criteria: K & H Uppaluri Personalized Medicine Clinic Variant Classification & Assertion Criteria_Updated V.1. Collection method: research. Allele origin: unknown. Inheritance: Autosomal dominant inheritance. Not counted in ClinVar's aggregate classification.
Comment: Mutations in HNF1A gene can predispose to MODY3. It is associated with both micro and macrovascular complications of diabetes, especially cardiovascular complications. Associated with glucosuria. May respond well to sulfonylureas. However, more evidence is required to confer the association of this particular variant rs193922597 with MODY3.

Literature cited by the submitters: PubMed 31517624 (cited by Clinical Genomics, Uppaluri K&H Personalized Medicine Clinic); PubMed 35328643 (cited by Clinical Genomics, Uppaluri K&H Personalized Medicine Clinic); PubMed 32395877 (cited by Clinical Genomics, Uppaluri K&H Personalized Medicine Clinic); PubMed 35673428 (cited by Clinical Genomics, Uppaluri K&H Personalized Medicine Clinic).